The following is an entry in ClinVar:

NM_003072.5(SMARCA4):c.4321AAG[1] (p.Lys1442del)

Gene: SMARCA4 (SWI/SNF related BAF chromatin remodeling complex subunit ATPase 4; plus strand). Cytogenetic location: 19p13.2.
Variant type: Microsatellite.
Coding change: c.4321AAG[1] on transcript NM_003072.5 (MANE Select); one copy of the 3-base unit AAG starting at c.4321; the reference has two copies in a row; one copy, 3 bases deleted.
Protein change: p.Lys1442del; deletes lysine 1442.
Molecular consequence: inframe deletion. On other transcripts: inframe indel (1), non-coding transcript variant (1).
Genome position (GRCh38, 1-based): chr19:11,041,460-11,041,462, AAG deleted; deleting any 3 consecutive bases within chr19:11,041,455-11,041,462 gives the same sequence; the position shown is the placement nearest the transcript's 3' end. VCF-style (leftmost placement, unchanged base first): chr19-11041454-CAGA-C. GRCh37 (hg19) VCF-style: chr19-11152130-CAGA-C.
Other names: c.4321AAG[1], p.Lys1442del (NM_001128844.3); c.4231AAG[1], p.Lys1412del (NM_001128845.2, NM_001128846.2); c.4222AAG[1], p.Lys1409del (NM_001128847.4, NM_001128848.2, NM_001374457.1); c.4417AAG[1], p.Lys1474del (NM_001128849.3, NM_001387283.1); c.4318_4320AAG[1], p.Lys1441del (NM_001411150.1); c.4420_4422delAAG (NM_001128849.1); c.4420_4422del (NM_001128849.1); short protein forms K1412del, K1442del, K1474del, K1409del, K1441del.
Identifiers: ClinVar variation 1740482 (VCV001740482.6), dbSNP rs1427203240, ClinGen allele CA632115274.

ClinVar aggregate classification (germline): Uncertain significance. Review status: criteria provided, multiple submitters, no conflicts (2 of 4 stars). 3 submissions from 3 submitters: Uncertain significance (3). Last evaluated 2025-04-24.

Conditions:
Hereditary cancer-predisposing syndrome. Also called: Hereditary Cancer Syndrome; Hereditary neoplastic syndrome; Neoplastic Syndromes, Hereditary; Tumor predisposition. Identifiers: Orphanet 140162, MedGen C0027672, MeSH D009386, MONDO:0015356.
Rhabdoid tumor predisposition syndrome 2 (RTPS2). Identifiers: Orphanet 231108, Orphanet 69077, MedGen C2750074, MONDO:0013224, OMIM 613325.

Submissions (3):

Ambry Genetics
Classification: Uncertain significance for Hereditary cancer-predisposing syndrome. Last evaluated: 2025-04-24. Review status: criteria provided, single submitter. Criteria: Ambry Variant Classification Scheme 2023. Collection method: clinical testing. Allele origin: germline.
Comment: The c.4420_4422delAAG variant (also known as p.K1474del) is located in coding exon 30 of the SMARCA4 gene. This variant results from an in-frame AAG deletion at nucleotide positions 4420 to 4422. This results in the in-frame deletion of a lysine at codon 1474. This amino acid position is highly conserved in available vertebrate species. In addition, the in silico prediction for this alteration is inconclusive (Choi Y et al. PLoS ONE. 2012; 7(10):e46688). Since supporting evidence is limited at this time, the clinical significance of this alteration remains unclear.

Labcorp Genetics (formerly Invitae), Labcorp
Classification: Uncertain significance for Rhabdoid tumor predisposition syndrome 2. Last evaluated: 2024-06-21. Review status: criteria provided, single submitter. Criteria: Invitae Variant Classification Sherloc (09022015). Collection method: clinical testing. Allele origin: germline.
Comment: This variant, c.4420_4422del, results in the deletion of 1 amino acid(s) of the SMARCA4 protein (p.Lys1474del), but otherwise preserves the integrity of the reading frame. This variant is present in population databases (no rsID available, gnomAD 0.007%). This variant has not been reported in the literature in individuals affected with SMARCA4-related conditions. ClinVar contains an entry for this variant (Variation ID: 1740482). Experimental studies and prediction algorithms are not available or were not evaluated, and the functional significance of this variant is currently unknown. In summary, the available evidence is currently insufficient to determine the role of this variant in disease. Therefore, it has been classified as a Variant of Uncertain Significance.

GeneDx
Classification: Uncertain significance. Last evaluated: 2022-10-06. Review status: criteria provided, single submitter. Criteria: GeneDx Variant Classification Process June 2021. Collection method: clinical testing. Allele origin: germline. Affected: yes.
Comment: Not observed at significant frequency in large population cohorts (gnomAD); In-frame deletion of 1 amino acid in a non-repeat region; In silico analysis supports a deleterious effect on protein structure/function; Has not been previously published as pathogenic or benign to our knowledge; This variant is associated with the following publications: (PMID: 24658002)